The following is an entry in ClinVar:

NM_007194.4(CHEK2):c.492_495dup (p.Asn166fs)

Gene: CHEK2 (checkpoint kinase 2; minus strand). Cytogenetic location: 22q12.1.
Variant type: Duplication.
Coding change: c.492_495dup on transcript NM_007194.4 (MANE Select); coding-DNA positions 492 to 495, 4 bases duplicated (TGGC; older notation c.492_495dupTGGC).
Protein change: p.Asn166fs; shifts the reading frame from asparagine 166.
Molecular consequence: frameshift variant. On other transcripts: 5 prime UTR variant (2), intron variant (1).
Genome position (GRCh38, 1-based): chr22:28,725,074-28,725,077, GCCA duplicated on the plus strand (TGGC on the coding strand, the reverse complement: CHEK2 is on the minus strand). VCF-style (leftmost placement, unchanged base first): chr22-28725073-T-TGCCA. GRCh37 (hg19) VCF-style: chr22-29121061-T-TGCCA.
Other names: c.621_624dup, p.Asn209fs (NM_001005735.3, NM_001438294.1); c.-286_-283dup (NM_001257387.3); c.-172_-169dup (NM_001437942.1); c.585_588dup, p.Asn197fs (NM_001438293.1, NM_001438295.1); c.492_495dup, p.Asn166fs (NM_145862.3); c.445-154_445-151dup (NM_001349956.3); short protein forms N166fs, N197fs, N209fs.
Identifiers: ClinVar variation 5034555 (VCV005034555.1).
Genomic context (GRCh38, chr22:28,725,073, plus strand): 5'-TGTTATTCAAAGGACGGCGTTTTCCTTTCCCTACAAGCTCTGTATTTACAAAGGTTCCAT[T>TGCCA]GCCACTGTGATCTTCTATGTATGCAATGTAAGAGTTTTTAGGACCCACTTCCTAAAATAG-3'

ClinVar aggregate classification (germline): Pathogenic (1 of 4 stars; one submission).

Conditions:
Hereditary cancer-predisposing syndrome. Also called: Hereditary Cancer Syndrome; Neoplastic Syndromes, Hereditary; Tumor predisposition; Hereditary neoplastic syndrome. Identifiers: Orphanet 140162, MedGen C0027672, MeSH D009386, MONDO:0015356.

Submission:

Ambry Genetics
Classification: Pathogenic for Hereditary cancer-predisposing syndrome. Last evaluated: 2026-07-17. Review status: criteria provided, single submitter. Criteria: Ambry Variant Classification Scheme 2023. Collection method: clinical testing. Allele origin: germline.
Comment: The c.492_495dupTGGC pathogenic mutation, located in coding exon 3 of the CHEK2 gene, results from a duplication of TGGC at nucleotide position 492, causing a translational frameshift with a predicted alternate stop codon (p.N166Wfs*21). This variant is considered to be rare based on population cohorts in the Genome Aggregation Database (gnomAD). This alteration is expected to result in loss of function by premature protein truncation or nonsense-mediated mRNA decay. As such, this alteration is interpreted as a disease-causing mutation.